The following is an entry in ClinVar:

ClinVar aggregate classification (germline): Uncertain significance (1 of 4 stars; one submission).

Conditions:
Hereditary cancer-predisposing syndrome. Also called: Neoplastic Syndromes, Hereditary; Tumor predisposition; Hereditary Cancer Syndrome; Hereditary neoplastic syndrome. Identifiers: Orphanet 140162, MedGen C0027672, MeSH D009386, MONDO:0015356.

Submission:

Ambry Genetics
Classification: Uncertain significance for Hereditary cancer-predisposing syndrome. Last evaluated: 2025-06-19. Review status: criteria provided, single submitter. Criteria: Ambry Variant Classification Scheme 2023. Collection method: clinical testing. Allele origin: germline.
Comment: The p.E360D variant (also known as c.1080G>C), located in coding exon 9 of the SDHA gene, results from a G to C substitution at nucleotide position 1080. The glutamic acid at codon 360 is replaced by aspartic acid, an amino acid with highly similar properties. This amino acid position is conserved. In addition, this alteration is predicted to be tolerated by in silico analysis. Based on the available evidence, the clinical significance of this variant remains unclear.

NM_004168.4(SDHA):c.1080G>C (p.Glu360Asp)

Gene: SDHA (succinate dehydrogenase complex flavoprotein subunit A; plus strand). Cytogenetic location: 5p15.33.
Variant type: single nucleotide variant.
Coding change: c.1080G>C on transcript NM_004168.4 (MANE Select); coding-DNA position 1080, G replaced by C.
Protein change: p.Glu360Asp; replaces glutamic acid 360 with aspartic acid.
Molecular consequence: missense variant.
Genome position (GRCh38, 1-based): chr5:235,159, G>C. VCF-style: chr5-235159-G-C. GRCh37 (hg19) VCF-style: chr5-235274-G-C.
Other names: c.936G>C, p.Glu312Asp (NM_001294332.2); c.1080G>C, p.Glu360Asp (NM_001330758.2); short protein forms E312D, E360D.
Identifiers: ClinVar variation 4161171 (VCV004161171.1).